The following is an entry in ClinVar:

ClinVar aggregate classification (germline): Uncertain significance (1 of 4 stars; one submission).

Conditions:
Oto-palato-digital syndrome, type II (OPD2). Also called: FACIOPALATOOSSEOUS SYNDROME; OPD II SYNDROME; Otopalatodigital Syndrome, Type II; Otopalatodigital Syndrome Type 2 (FLNA-OPD2). Identifiers: Orphanet 669, Orphanet 90652, MedGen C1844696, MONDO:0010571, OMIM 304120.
Heterotopia, periventricular, X-linked dominant (PVNH1). Also called: PERIVENTRICULAR NODULAR HETEROTOPIA 1; X-linked periventricular heterotopia; PERIVENTRICULAR NODULAR HETEROTOPIA 4; HETEROTOPIA, PERIVENTRICULAR, 1. Identifiers: Orphanet 2149, Orphanet 82004, MedGen C1848213, MONDO:0010233, OMIM 300049.
Frontometaphyseal dysplasia (FMD1). Identifiers: Orphanet 1826, MedGen C0265293, MONDO:0015942.
Melnick-Needles syndrome (MNS). Also called: MELNICK-NEEDLES OSTEODYSPLASTY; OSTEODYSPLASTY OF MELNICK AND NEEDLES; Melnick-Needles Syndrome (FLNA-MNS). Identifiers: Orphanet 2484, MedGen C0025237, MONDO:0010650, OMIM 309350.

Submission:

Labcorp Genetics (formerly Invitae), Labcorp
Classification: Uncertain significance for Oto-palato-digital syndrome, type II; Heterotopia, periventricular, X-linked dominant; Frontometaphyseal dysplasia; Melnick-Needles syndrome. Last evaluated: 2023-05-27. Review status: criteria provided, single submitter. Criteria: Invitae Variant Classification Sherloc (09022015). Collection method: clinical testing. Allele origin: germline.
Comment: In summary, the available evidence is currently insufficient to determine the role of this variant in disease. Therefore, it has been classified as a Variant of Uncertain Significance. Advanced modeling of protein sequence and biophysical properties (such as structural, functional, and spatial information, amino acid conservation, physicochemical variation, residue mobility, and thermodynamic stability) performed at Invitae indicates that this missense variant is not expected to disrupt FLNA protein function. This variant has not been reported in the literature in individuals affected with FLNA-related conditions. This variant is not present in population databases (gnomAD no frequency). This sequence change replaces serine, which is neutral and polar, with phenylalanine, which is neutral and non-polar, at codon 2462 of the FLNA protein (p.Ser2462Phe).

NM_001110556.2(FLNA):c.7409C>T (p.Ser2470Phe)

Gene: FLNA (filamin A; minus strand). Cytogenetic location: Xq28.
Variant type: single nucleotide variant.
Coding change: c.7409C>T on transcript NM_001110556.2 (MANE Select); coding-DNA position 7409, C replaced by T.
Protein change: p.Ser2470Phe; replaces serine 2470 with phenylalanine.
Molecular consequence: missense variant.
Genome position (GRCh38, 1-based): chrX:154,349,792, G>A on the plus strand (C>T on the coding strand, the complement: FLNA is on the minus strand). VCF-style: chrX-154349792-G-A. GRCh37 (hg19) VCF-style: chrX-153578160-G-A.
Other names: c.7385C>T, p.Ser2462Phe (NM_001456.4); short protein forms S2470F, S2462F.
Identifiers: ClinVar variation 2948290 (VCV002948290.3), dbSNP rs2522713907, ClinGen allele CA415182667.
Genomic context (GRCh38, chrX:154,349,792, plus strand): 5'-ATGGGGGTATAGGTGACGCGGTAGCCCTCAGGGCACTCCTGGCAATCCATCTTCACCTTG[G>A]AGGGGCCGTCAATGGTCACCGACAGGGCACCAGCTCCCGCATTGCTCGTGTTCACGACGA-3'
Protein context (NP_001104026.1, residues 2460-2480): GALSVTIDGP[Ser2470Phe]KVKMDCQECP